The following is an entry in ClinVar:

NM_007118.4(TRIO):c.2924T>C (p.Leu975Pro)

Gene: TRIO (trio Rho guanine nucleotide exchange factor; plus strand). Cytogenetic location: 5p15.2.
Variant type: single nucleotide variant.
Coding change: c.2924T>C on transcript NM_007118.4 (MANE Select); coding-DNA position 2924, T replaced by C.
Protein change: p.Leu975Pro; replaces leucine 975 with proline.
Molecular consequence: missense variant. On other transcripts: non-coding transcript variant (1).
Genome position (GRCh38, 1-based): chr5:14,368,757, T>C. VCF-style: chr5-14368757-T-C. GRCh37 (hg19) VCF-style: chr5-14368866-T-C.
Other names: short protein forms L975P.
Identifiers: ClinVar variation 3366108 (VCV003366108.2).

ClinVar aggregate classification (germline): Uncertain significance (1 of 4 stars; one submission).

gnomAD v4.1: 2 of 1,614,116 alleles (0.00012%); highest among the groups gnomAD compares: Non-Finnish European, 0.000085%; no homozygotes.

Submission:

GeneDx
Classification: Uncertain significance. Last evaluated: 2025-08-31. Review status: criteria provided, single submitter. Criteria: GeneDx Variant Classification Process June 2021. Collection method: clinical testing. Allele origin: germline.
Comment: Not observed at significant frequency in large population cohorts (gnomAD); In silico analysis supports that this missense variant has a deleterious effect on protein structure/function; Has not been previously published as pathogenic or benign to our knowledge